The following is an entry in ClinVar:

NM_017841.4(SDHAF2):c.165G>T (p.Trp55Cys)

Gene: SDHAF2 (succinate dehydrogenase complex assembly factor 2; plus strand). Cytogenetic location: 11q12.2.
Variant type: single nucleotide variant.
Coding change: c.165G>T on transcript NM_017841.4 (MANE Select); coding-DNA position 165, G replaced by T.
Protein change: p.Trp55Cys; replaces tryptophan 55 with cysteine.
Molecular consequence: missense variant.
Genome position (GRCh38, 1-based): chr11:61,437,753, G>T. VCF-style: chr11-61437753-G-T. GRCh37 (hg19) VCF-style: chr11-61205225-G-T.
Other names: short protein forms W55C.
Identifiers: ClinVar variation 5029231 (VCV005029231.1).

ClinVar aggregate classification (germline): Uncertain significance (1 of 4 stars; one submission).

Conditions:
Hereditary cancer-predisposing syndrome. Also called: Neoplastic Syndromes, Hereditary; Tumor predisposition; Hereditary neoplastic syndrome; Hereditary Cancer Syndrome. Identifiers: Orphanet 140162, MedGen C0027672, MeSH D009386, MONDO:0015356.

Submission:

Ambry Genetics
Classification: Uncertain significance for Hereditary cancer-predisposing syndrome. Last evaluated: 2026-07-06. Review status: criteria provided, single submitter. Criteria: Ambry Variant Classification Scheme 2023. Collection method: clinical testing. Allele origin: germline.
Comment: The p.W55C variant (also known as c.165G>T), located in coding exon 2 of the SDHAF2 gene, results from a G to T substitution at nucleotide position 165. The tryptophan at codon 55 is replaced by cysteine, an amino acid with highly dissimilar properties. This amino acid position is conserved. In addition, this alteration is predicted to be deleterious by in silico analysis. Based on the available evidence, the clinical significance of this variant remains unclear.